The following is an entry in ClinVar:

NM_001363711.2(DUOX2):c.1001A>T (p.Gln334Leu)

Gene: DUOX2 (dual oxidase 2; minus strand). Cytogenetic location: 15q21.1.
Variant type: single nucleotide variant.
Coding change: c.1001A>T on transcript NM_001363711.2 (MANE Select); coding-DNA position 1001, A replaced by T.
Protein change: p.Gln334Leu; replaces glutamine 334 with leucine.
Molecular consequence: missense variant.
Genome position (GRCh38, 1-based): chr15:45,110,467, T>A on the plus strand (A>T on the coding strand, the complement: DUOX2 is on the minus strand). VCF-style: chr15-45110467-T-A. GRCh37 (hg19) VCF-style: chr15-45402665-T-A.
Other names: c.1001A>T, p.Gln334Leu (NM_014080.5); short protein forms Q334L.
Identifiers: ClinVar variation 2869939 (VCV002869939.4), dbSNP rs1461096460, ClinGen allele CA392278079.

ClinVar aggregate classification (germline): Uncertain significance. Review status: criteria provided, multiple submitters, no conflicts (2 of 4 stars). 2 submissions from 2 submitters: Uncertain significance (2). Last evaluated 2024-06-11.

Submissions (2):

Women's Health and Genetics/Laboratory Corporation of America, LabCorp
Classification: Uncertain significance. Last evaluated: 2024-06-11. Review status: criteria provided, single submitter. Criteria: LabCorp Variant Classification Summary - May 2015. Collection method: clinical testing. Allele origin: germline.
Comment: Variant summary: DUOX2 c.1001A>T (p.Gln334Leu) results in a non-conservative amino acid change located in the Dual oxidase, peroxidase domain (IPR034821) of the encoded protein sequence. Three of five in-silico tools predict a benign effect of the variant on protein function. The variant was absent in 251386 control chromosomes. The available data on variant occurrences in the general population are insufficient to allow any conclusion about variant significance. c.1001A>T has been reported in the literature in the compound heterozygous state in at least 1 individual affected with congenital hypothyroidism (example, Sun_2021), including at least 1 individual carrying a pathogenic variant in trans. These data do not allow any conclusion about variant significance. At least one publication reports experimental evidence evaluating an impact on protein function. The most pronounced variant effect results in >50%-90% of normal enzyme activity in COS-7 cells in vitro (example, Sun_2021). The following publication has been ascertained in the context of this evaluation (PMID: 34564849). No submitters have cited clinical-significance assessments for this variant to ClinVar. Based on the evidence outlined above, the variant was classified as uncertain significance.

Labcorp Genetics (formerly Invitae), Labcorp
Classification: Uncertain significance. Last evaluated: 2023-10-24. Review status: criteria provided, single submitter. Criteria: Invitae Variant Classification Sherloc (09022015). Collection method: clinical testing. Allele origin: germline.
Comment: This sequence change replaces glutamine, which is neutral and polar, with leucine, which is neutral and non-polar, at codon 334 of the DUOX2 protein (p.Gln334Leu). This variant is not present in population databases (gnomAD no frequency). This variant has not been reported in the literature in individuals affected with DUOX2-related conditions. Advanced modeling of protein sequence and biophysical properties (such as structural, functional, and spatial information, amino acid conservation, physicochemical variation, residue mobility, and thermodynamic stability) performed at Invitae indicates that this missense variant is not expected to disrupt DUOX2 protein function with a negative predictive value of 80%. In summary, the available evidence is currently insufficient to determine the role of this variant in disease. Therefore, it has been classified as a Variant of Uncertain Significance.

Literature cited by the submitters: PubMed 34564849 (cited by Women's Health and Genetics/Laboratory Corporation of America, LabCorp).